The following is an entry in ClinVar:

ClinVar aggregate classification (germline): Likely benign (1 of 4 stars; one submission).

Submission:

CeGaT Center for Human Genetics Tuebingen
Classification: Likely benign. Last evaluated: 2026-05-01. Review status: criteria provided, single submitter. Criteria: CeGaT Center For Human Genetics Tuebingen Variant Classification Criteria Version 2. Collection method: clinical testing. Allele origin: germline. Affected: yes. Observed: 2 variant alleles.
Comment: EPG5: PM2:Supporting, BP4, BP7

NM_020964.3(EPG5):c.4392T>C (p.Gly1464=)

Gene: EPG5 (ectopic P-granules 5 autophagy tethering factor; minus strand). Cytogenetic location: 18q21.1.
Variant type: single nucleotide variant.
Coding change: c.4392T>C on transcript NM_020964.3 (MANE Select); coding-DNA position 4392, T replaced by C.
Protein change: p.Gly1464=; no amino-acid change (glycine 1464 retained).
Molecular consequence: synonymous variant.
Genome position (GRCh38, 1-based): chr18:45,904,055, A>G on the plus strand (T>C on the coding strand, the complement: EPG5 is on the minus strand). VCF-style: chr18-45904055-A-G. GRCh37 (hg19) VCF-style: chr18-43484020-A-G.
Other names: c.4392T>C, p.Gly1464= (NM_001410858.1, NM_001410859.1).
Identifiers: ClinVar variation 4873155 (VCV004873155.2).